The following is an entry in ClinVar:

ClinVar aggregate classification (germline): Likely benign (0 of 4 stars; one submission).

Conditions:
PLXNA2-related disorder. Also called: PLXNA2-related condition.

Allele frequency attached by ClinVar (database versions not stated): ExAC 0.00002; TOPMed 0.00005.
gnomAD v4.1: 27 of 1,614,146 alleles (0.0017%); highest among the groups gnomAD compares: South Asian, 0.016%; no homozygotes.

Submission:

PreventionGenetics, part of Exact Sciences
Classification: Likely benign for PLXNA2-related condition. Last evaluated: 2022-03-30. Review status: no assertion criteria provided. Collection method: clinical testing. Allele origin: germline.
Comment: This variant is classified as likely benign based on ACMG/AMP sequence variant interpretation guidelines (Richards et al. 2015 PMID: 25741868, with internal and published modifications).

NM_025179.4(PLXNA2):c.2253C>T (p.Pro751=)

Gene: PLXNA2 (plexin A2; minus strand). Cytogenetic location: 1q32.2.
Variant type: single nucleotide variant.
Coding change: c.2253C>T on transcript NM_025179.4 (MANE Select); coding-DNA position 2253, C replaced by T.
Protein change: p.Pro751=; no amino-acid change (proline 751 retained).
Molecular consequence: synonymous variant.
Genome position (GRCh38, 1-based): chr1:208,084,425, G>A on the plus strand (C>T on the coding strand, the complement: PLXNA2 is on the minus strand). VCF-style: chr1-208084425-G-A. GRCh37 (hg19) VCF-style: chr1-208257770-G-A.
Identifiers: ClinVar variation 3030770 (VCV003030770.2), dbSNP rs760622974, ClinGen allele CA1373594.